The following is an entry in ClinVar:

ClinVar aggregate classification (germline): Uncertain significance (1 of 4 stars; one submission).

Conditions:
Acrocallosal syndrome (ACLS). Also called: HALLUX DUPLICATION, POSTAXIAL POLYDACTYLY, AND ABSENCE OF CORPUS CALLOSUM; Schinzel syndrome 1; Absence of corpus callosum with unusual facial appearance, mental deficiency, duplication of the halluces and polydactyly. Identifiers: Orphanet 36, MedGen C0796147, MONDO:0008708, OMIM 200990.

gnomAD v4.1: 2 of 1,610,344 alleles (0.00012%); highest among the groups gnomAD compares: South Asian, 0.0011%; no homozygotes.

Submission:

Labcorp Genetics (formerly Invitae), Labcorp
Classification: Uncertain significance for Acrocallosal syndrome. Last evaluated: 2022-11-28. Review status: criteria provided, single submitter. Criteria: Invitae Variant Classification Sherloc (09022015). Collection method: clinical testing. Allele origin: germline.
Comment: This sequence change replaces histidine, which is basic and polar, with glutamine, which is neutral and polar, at codon 937 of the KIF7 protein (p.His937Gln). This variant is present in population databases (no rsID available, gnomAD 0.003%). This variant has not been reported in the literature in individuals affected with KIF7-related conditions. Advanced modeling of protein sequence and biophysical properties (such as structural, functional, and spatial information, amino acid conservation, physicochemical variation, residue mobility, and thermodynamic stability) performed at Invitae indicates that this missense variant is not expected to disrupt KIF7 protein function. In summary, the available evidence is currently insufficient to determine the role of this variant in disease. Therefore, it has been classified as a Variant of Uncertain Significance.

NM_198525.3(KIF7):c.2811C>A (p.His937Gln)

Gene: KIF7 (kinesin family member 7; minus strand). Cytogenetic location: 15q26.1.
Variant type: single nucleotide variant.
Coding change: c.2811C>A on transcript NM_198525.3 (MANE Select); coding-DNA position 2811, C replaced by A.
Protein change: p.His937Gln; replaces histidine 937 with glutamine.
Molecular consequence: missense variant.
Genome position (GRCh38, 1-based): chr15:89,632,904, G>T on the plus strand (C>A on the coding strand, the complement: KIF7 is on the minus strand). VCF-style: chr15-89632904-G-T. GRCh37 (hg19) VCF-style: chr15-90176135-G-T.
Other names: short protein forms H937Q.
Identifiers: ClinVar variation 2777966 (VCV002777966.3), dbSNP rs887506789, ClinGen allele CA393758234.